The following is an entry in ClinVar:

ClinVar aggregate classification (germline): Uncertain significance (1 of 4 stars; one submission).

Conditions:
Atrial standstill 1 (ATRST1). Also called: ATRIAL CARDIOMYOPATHY WITH HEART BLOCK; CARDIOMYOPATHY, FAMILIAL, WITH CONDUCTION DISTURBANCE; Atrial standstill, digenic (GJA5/SCN5A). Identifiers: Orphanet 1344, MedGen C4551959, MONDO:0007171, OMIM 108770.
Atrial fibrillation, familial, 11 (ATFB11). Identifiers: MedGen C3279693, MONDO:0013544, OMIM 614049.

Submission:

Labcorp Genetics (formerly Invitae), Labcorp
Classification: Uncertain significance for Atrial fibrillation, familial, 11; Atrial standstill 1. Last evaluated: 2024-06-19. Review status: criteria provided, single submitter. Criteria: Invitae Variant Classification Sherloc (09022015). Collection method: clinical testing. Allele origin: germline.
Comment: This sequence change replaces isoleucine, which is neutral and non-polar, with serine, which is neutral and polar, at codon 75 of the GJA5 protein (p.Ile75Ser). This variant is not present in population databases (gnomAD no frequency). This variant has not been reported in the literature in individuals affected with GJA5-related conditions. Advanced modeling of protein sequence and biophysical properties (such as structural, functional, and spatial information, amino acid conservation, physicochemical variation, residue mobility, and thermodynamic stability) performed at Invitae indicates that this missense variant is expected to disrupt GJA5 protein function with a positive predictive value of 80%. In summary, the available evidence is currently insufficient to determine the role of this variant in disease. Therefore, it has been classified as a Variant of Uncertain Significance.

NM_181703.4(GJA5):c.224T>G (p.Ile75Ser)

Gene: GJA5 (gap junction protein alpha 5; minus strand). Cytogenetic location: 1q21.2.
Variant type: single nucleotide variant.
Coding change: c.224T>G on transcript NM_181703.4 (MANE Select); coding-DNA position 224, T replaced by G.
Protein change: p.Ile75Ser; replaces isoleucine 75 with serine.
Molecular consequence: missense variant.
Genome position (GRCh38, 1-based): chr1:147,759,015, A>C on the plus strand (T>G on the coding strand, the complement: GJA5 is on the minus strand). VCF-style: chr1-147759015-A-C. GRCh37 (hg19) VCF-style: chr1-147231123-A-C.
Other names: c.224T>G, p.Ile75Ser (NM_005266.7); short protein forms I75S.
Identifiers: ClinVar variation 3756885 (VCV003756885.2).